The following is an entry in ClinVar:

NM_000271.5(NPC1):c.2013_2020del (p.Gly673fs)

Gene: NPC1 (NPC intracellular cholesterol transporter 1; minus strand). Cytogenetic location: 18q11.2.
Variant type: Deletion.
Coding change: c.2013_2020del on transcript NM_000271.5 (MANE Select); coding-DNA positions 2013 to 2020, 8 bases deleted (CTTGGGTG; older notation c.2013_2020delCTTGGGTG).
Protein change: p.Gly673fs; shifts the reading frame from glycine 673.
Molecular consequence: frameshift variant.
Genome position (GRCh38, 1-based): chr18:23,544,454-23,544,461, CACCCAAG deleted on the plus strand (CTTGGGTG on the coding strand, the reverse complement: NPC1 is on the minus strand). VCF-style (leftmost placement, unchanged base first): chr18-23544453-ACACCCAAG-A. GRCh37 (hg19) VCF-style: chr18-21124417-ACACCCAAG-A.
Other names: short protein forms G673fs.
Identifiers: ClinVar variation 5011345 (VCV005011345.1).

ClinVar aggregate classification (germline): Pathogenic (1 of 4 stars; one submission).

Conditions:
Niemann-Pick disease, type C1. Also called: NEUROVISCERAL STORAGE DISEASE WITH VERTICAL SUPRANUCLEAR OPHTHALMOPLEGIA; NIEMANN-PICK DISEASE WITH CHOLESTEROL ESTERIFICATION BLOCK; NIEMANN-PICK DISEASE WITHOUT SPHINGOMYELINASE DEFICIENCY; NIEMANN-PICK DISEASE, CHRONIC NEURONOPATHIC FORM; NIEMANN-PICK DISEASE, VARIANT TYPE C1. Identifiers: Orphanet 646, MedGen C3179455, MONDO:0009757, OMIM 257220.

Submission:

Myriad Genetics, Inc.
Classification: Pathogenic for Niemann-Pick disease, type C1. Last evaluated: 2023-08-14. Review status: criteria provided, single submitter. Criteria: Myriad Autosomal Dominant, Autosomal Recessive and X-Linked Classification Criteria (2023). Collection method: clinical testing. Allele origin: unknown.
Comment: NM_000271.4(NPC1):c.2013_2020del8(G673Qfs*13) is expected to be pathogenic in the context of Niemann-Pick disease type C1. This variant is predicted to lead to an abnormal or absent protein product due to the creation of a premature termination codon in NPC1, a gene where loss-of-function variants are known to be pathogenic. Please note: this variant was assessed in the context of healthy population screening.